The following is an entry in ClinVar:

NM_000143.4(FH):c.35G>T (p.Arg12Leu)

Gene: FH (fumarate hydratase; minus strand). Cytogenetic location: 1q43.
Variant type: single nucleotide variant.
Coding change: c.35G>T on transcript NM_000143.4 (MANE Select); coding-DNA position 35, G replaced by T.
Protein change: p.Arg12Leu; replaces arginine 12 with leucine.
Molecular consequence: missense variant.
Genome position (GRCh38, 1-based): chr1:241,519,688, C>A on the plus strand (G>T on the coding strand, the complement: FH is on the minus strand). VCF-style: chr1-241519688-C-A. GRCh37 (hg19) VCF-style: chr1-241682988-C-A.
Other names: short protein forms R12L.
Identifiers: ClinVar variation 578050 (VCV000578050.21), dbSNP rs367826177, ClinGen allele CA1478782.

ClinVar aggregate classification (germline): Conflicting classifications of pathogenicity. Review status: criteria provided, conflicting classifications (1 of 4 stars). 7 submissions from 7 submitters: Uncertain significance (5); Likely benign (1). 1 of the submissions does not count toward it. Last evaluated 2025-11-19.

Conditions:
Hereditary cancer-predisposing syndrome. Also called: Hereditary neoplastic syndrome; Tumor predisposition; Hereditary Cancer Syndrome; Neoplastic Syndromes, Hereditary. Identifiers: Orphanet 140162, MedGen C0027672, MeSH D009386, MONDO:0015356.
Fumarase deficiency (FMRD). Also called: Fumaric aciduria; Fumarate Hydratase Deficiency. Identifiers: Orphanet 24, MedGen C0342770, MONDO:0011730, OMIM 606812.

Allele frequency attached by ClinVar (database versions not stated): gnomAD exomes 0.00001; TOPMed 0.00004; gnomAD 0.00005 and 0.00006; ExAC 0.00007; ESP Exome Variant Server 0.00009.
gnomAD v4.1: 13 of 1,546,712 alleles (0.00084%); highest among the groups gnomAD compares: African/African-American, 0.018%; no homozygotes.

Submissions (7):

Labcorp Genetics (formerly Invitae), Labcorp
Classification: Likely benign. Last evaluated: 2025-11-19. Review status: criteria provided, single submitter. Criteria: Invitae Variant Classification Sherloc (09022015). Collection method: clinical testing. Allele origin: germline.

Quest Diagnostics Nichols Institute San Juan Capistrano
Classification: Uncertain significance. Last evaluated: 2024-08-22. Review status: criteria provided, single submitter. Criteria: Quest Diagnostics criteria. Collection method: clinical testing. Allele origin: unknown.
Comment: The FH c.35G>T (p.Arg12Leu) variant has not been reported in individuals with FH-related conditions in the published literature. The frequency of this variant in the general population, 0.00025 (4/15876 chromosomes in African/African American subpopulation (Genome Aggregation Database)), is higher than would generally be expected for pathogenic variants in this gene. Analysis of this variant using bioinformatics tools for the prediction of the effect of amino acid changes on protein structure and function yielded predictions that this variant is benign. Based on the available information, we are unable to determine the clinical significance of this variant.

GeneDx
Classification: Uncertain significance. Last evaluated: 2023-12-24. Review status: criteria provided, single submitter. Criteria: GeneDx Variant Classification Process June 2021. Collection method: clinical testing. Allele origin: germline. Affected: yes.
Comment: In silico analysis supports that this missense variant does not alter protein structure/function; Has not been previously published as pathogenic or benign to our knowledge

Ambry Genetics
Classification: Uncertain significance for Hereditary cancer-predisposing syndrome. Last evaluated: 2023-12-06. Review status: criteria provided, single submitter. Criteria: Ambry Variant Classification Scheme 2023. Collection method: clinical testing. Allele origin: germline.
Comment: The p.R12L variant (also known as c.35G>T), located in coding exon 1 of the FH gene, results from a G to T substitution at nucleotide position 35. The arginine at codon 12 is replaced by leucine, an amino acid with dissimilar properties. This amino acid position is not well conserved in available vertebrate species. In addition, the in silico prediction for this alteration is inconclusive. Since supporting evidence is limited at this time, the clinical significance of this alteration remains unclear.

Baylor Genetics
Classification: Uncertain significance for Fumarase deficiency. Last evaluated: 2023-06-16. Review status: criteria provided, single submitter. Criteria: ACMG Guidelines, 2015. Collection method: clinical testing. Allele origin: unknown.

Sema4
Classification: Uncertain significance for Hereditary cancer-predisposing syndrome. Last evaluated: 2022-01-06. Review status: criteria provided, single submitter. Criteria: Sema4 Curation Guidelines. Collection method: curation. Allele origin: germline.
Comment: The FH c.35G>T (p.R12L) variant has not been reported in the literature to our knowledge. This variant was observed 4/15876 chromosomes in the African/African American population according to the Genome Aggregation Database (PMID: 32461654). This variant has been reported in ClinVar (Variation ID 578050). Functional studies have not been performed, and in silico predictions of the variant's effect on protein function are inconclusive. The overall evidence is insufficient to meet ACMG/AMP criteria for classifying it as benign or pathogenic. In summary, the clinical significance of this variant is currently uncertain.

Natera, Inc.
Classification: Uncertain significance for Fumarase deficiency. Last evaluated: 2020-03-11. Review status: no assertion criteria provided. Collection method: clinical testing. Allele origin: germline. Not counted in ClinVar's aggregate classification.